The following is an entry in ClinVar:

ClinVar aggregate classification (germline): Uncertain significance. Review status: criteria provided, multiple submitters, no conflicts (2 of 4 stars). 3 submissions from 3 submitters: Uncertain significance (3). Last evaluated 2025-04-01.

Conditions:
Inborn genetic diseases. Identifiers: MedGen C0950123, MeSH D030342.
Glucocorticoid deficiency 4. Also called: Glucocorticoid deficiency 4 with or without mineralocorticoid deficiency. Identifiers: Orphanet 361, MedGen C3553587, MONDO:0013874, OMIM 614736.

Allele frequency attached by ClinVar (database versions not stated): gnomAD exomes 0.00009 and 0.00007; gnomAD 0.00042 and 0.00038; ExAC 0.00016; ESP Exome Variant Server 0.00069; TOPMed 0.00039.
gnomAD v4.1: 160 of 1,558,978 alleles (0.01%); highest among the groups gnomAD compares: African/African-American, 0.11%; no homozygotes.

Submissions (3):

Labcorp Genetics (formerly Invitae), Labcorp
Classification: Uncertain significance. Last evaluated: 2025-04-01. Review status: criteria provided, single submitter. Criteria: Invitae Variant Classification Sherloc (09022015). Collection method: clinical testing. Allele origin: germline.
Comment: This sequence change replaces threonine, which is neutral and polar, with methionine, which is neutral and non-polar, at codon 475 of the NNT protein (p.Thr475Met). This variant is present in population databases (rs141791856, gnomAD 0.1%). This variant has not been reported in the literature in individuals affected with NNT-related conditions. ClinVar contains an entry for this variant (Variation ID: 1030250). An algorithm developed to predict the effect of missense changes on protein structure and function (PolyPhen-2) suggests that this variant is likely to be tolerated. In summary, the available evidence is currently insufficient to determine the role of this variant in disease. Therefore, it has been classified as a Variant of Uncertain Significance.

Ambry Genetics
Classification: Uncertain significance for Inborn genetic diseases. Last evaluated: 2021-07-16. Review status: criteria provided, single submitter. Criteria: Ambry Variant Classification Scheme 2023. Collection method: clinical testing. Allele origin: germline.

Baylor Genetics
Classification: Uncertain significance for Glucocorticoid deficiency 4. Last evaluated: 2019-11-20. Review status: criteria provided, single submitter. Criteria: ACMG Guidelines, 2015. Collection method: clinical testing. Allele origin: unknown. Affected: yes.
Comment: This variant was determined to be of uncertain significance according to ACMG Guidelines, 2015 [PMID:25741868].

NM_182977.3(NNT):c.1424C>T (p.Thr475Met)

Gene: NNT (nicotinamide nucleotide transhydrogenase; plus strand). Cytogenetic location: 5p12.
Variant type: single nucleotide variant.
Coding change: c.1424C>T on transcript NM_182977.3 (MANE Select); coding-DNA position 1424, C replaced by T.
Protein change: p.Thr475Met; replaces threonine 475 with methionine.
Molecular consequence: missense variant.
Genome position (GRCh38, 1-based): chr5:43,645,490, C>T. VCF-style: chr5-43645490-C-T. GRCh37 (hg19) VCF-style: chr5-43645592-C-T.
Other names: c.1031C>T, p.Thr344Met (NM_001331026.2); c.1424C>T, p.Thr475Met (NM_012343.4); short protein forms T344M, T475M.
Identifiers: ClinVar variation 1030250 (VCV001030250.5), dbSNP rs141791856, ClinGen allele CA3257965.